The following is an entry in ClinVar:

ClinVar aggregate classification (germline): Uncertain significance. Review status: criteria provided, multiple submitters, no conflicts (2 of 4 stars). 2 submissions from 2 submitters: Uncertain significance (2). Last evaluated 2023-06-28.

Allele frequency attached by ClinVar (database versions not stated): gnomAD 0.00002; TOPMed 0.00001; ExAC 0.00003.
gnomAD v4.1: 17 of 1,613,648 alleles (0.0011%); highest among the groups gnomAD compares: East Asian, 0.0089%; 2 homozygotes.

Submissions (2):

Blueprint Genetics
Classification: Uncertain significance. Last evaluated: 2023-06-28. Review status: criteria provided, single submitter. Criteria: ACMG Guidelines, 2015. Collection method: clinical testing. Allele origin: germline.

Labcorp Genetics (formerly Invitae), Labcorp
Classification: Uncertain significance. Last evaluated: 2022-07-01. Review status: criteria provided, single submitter. Criteria: Invitae Variant Classification Sherloc (09022015). Collection method: clinical testing. Allele origin: germline.
Comment: In summary, the available evidence is currently insufficient to determine the role of this variant in disease. Therefore, it has been classified as a Variant of Uncertain Significance. Algorithms developed to predict the effect of missense changes on protein structure and function are either unavailable or do not agree on the potential impact of this missense change (SIFT: "Deleterious"; PolyPhen-2: "Probably Damaging"; Align-GVGD: "Class C0"). This variant has not been reported in the literature in individuals affected with GNB3-related conditions. This variant is present in population databases (rs782368057, gnomAD 0.04%). This sequence change replaces arginine, which is basic and polar, with cysteine, which is neutral and slightly polar, at codon 251 of the GNB3 protein (p.Arg251Cys).

NM_002075.4(GNB3):c.751C>T (p.Arg251Cys)

Genes: CDCA3 (cell division cycle associated 3; minus strand), GNB3 (G protein subunit beta 3; plus strand). Cytogenetic location: 12p13.31.
Variant type: single nucleotide variant.
Coding change: c.751C>T on transcript NM_002075.4 (MANE Select); coding-DNA position 751, C replaced by T.
Protein change: p.Arg251Cys; replaces arginine 251 with cysteine.
Molecular consequence: missense variant. On other transcripts: 3 prime UTR variant (1).
Genome position (GRCh38, 1-based): chr12:6,845,637, C>T. VCF-style: chr12-6845637-C-T. GRCh37 (hg19) VCF-style: chr12-6954801-C-T.
Other names: c.*1151G>A (NM_001297603.3); c.748C>T, p.Arg250Cys (NM_001297571.2); short protein forms R250C, R251C.
Identifiers: ClinVar variation 1938649 (VCV001938649.5), dbSNP rs782368057, ClinGen allele CA6417659.